The following is an entry in ClinVar:

ClinVar aggregate classification (germline): Uncertain significance (1 of 4 stars; one submission).

Conditions:
Hereditary pheochromocytoma and paraganglioma. Also called: Hereditary pheochromocytoma-paraganglioma; Hereditary Paraganglioma-Pheochromocytoma Syndromes; Hereditary paragangliomas and pheochromocytomas. Identifiers: Orphanet 29072, MedGen C4274332, MONDO:0017366.

Submission:

Labcorp Genetics (formerly Invitae), Labcorp
Classification: Uncertain significance for Hereditary pheochromocytoma and paraganglioma. Last evaluated: 2025-04-13. Review status: criteria provided, single submitter. Criteria: Invitae Variant Classification Sherloc (09022015). Collection method: clinical testing. Allele origin: germline.
Comment: This sequence change replaces asparagine, which is neutral and polar, with lysine, which is basic and polar, at codon 78 of the MAX protein (p.Asn78Lys). This variant is not present in population databases (gnomAD no frequency). This variant has not been reported in the literature in individuals affected with MAX-related conditions. An algorithm developed to predict the effect of missense changes on protein structure and function (PolyPhen-2) suggests that this variant is likely to be disruptive. In summary, the available evidence is currently insufficient to determine the role of this variant in disease. Therefore, it has been classified as a Variant of Uncertain Significance.

NM_002382.5(MAX):c.234C>G (p.Asn78Lys)

Gene: MAX (MYC associated transcriptional regulator X; minus strand). Cytogenetic location: 14q23.3.
Variant type: single nucleotide variant.
Coding change: c.234C>G on transcript NM_002382.5 (MANE Select); coding-DNA position 234, C replaced by G.
Protein change: p.Asn78Lys; replaces asparagine 78 with lysine.
Molecular consequence: missense variant. On other transcripts: 5 prime UTR variant (6), non-coding transcript variant (7), intron variant (2).
Genome position (GRCh38, 1-based): chr14:65,077,974, G>C on the plus strand (C>G on the coding strand, the complement: MAX is on the minus strand). VCF-style: chr14-65077974-G-C. GRCh37 (hg19) VCF-style: chr14-65544692-G-C.
Other names: c.207C>G, p.Asn69Lys (NM_001407109.1, NM_001407110.1, NM_145112.3 and 6 more transcripts); c.-134C>G (NM_001407111.1, NM_001407112.1); c.234C>G, p.Asn78Lys (NM_145113.3, NM_001407094.1, NM_001407096.1 and 3 more transcripts); c.-41C>G (NM_001320415.2, NM_001407105.1, NM_001407106.1 and 1 more transcripts); c.126C>G, p.Asn42Lys (NM_001407098.1); c.144+15734C>G (NM_001271069.2); c.171+15734C>G (NM_197957.4); short protein forms N42K, N78K, N69K.
Identifiers: ClinVar variation 4717413 (VCV004717413.1).